The following is an entry in ClinVar:

ClinVar aggregate classification (germline): Conflicting classifications of pathogenicity. Review status: criteria provided, conflicting classifications (1 of 4 stars). 2 submissions from 2 submitters: Likely pathogenic (1); Uncertain significance (1). Last evaluated 2024-05-20.

Conditions:
Neuromuscular disease caused by qualitative or quantitative defects of dysferlin. Also called: Dysferlinopathy; Qualitative or quantitative defects of dysferlin. Identifiers: Orphanet 207073, MedGen C2931687, MONDO:0016145.
Autosomal recessive limb-girdle muscular dystrophy type 2B (LGMDR2). Also called: Limb-girdle muscular dystrophy, type 2B; MUSCULAR DYSTROPHY, LIMB-GIRDLE, AUTOSOMAL RECESSIVE 2; Limb-Girdle Muscular Dystrophy Type 2B (LGMD2B); MUSCULAR DYSTROPHY, LIMB-GIRDLE, TYPE 3. Identifiers: Orphanet 268, MedGen C1850889, MONDO:0009676, OMIM 253601.

Submissions (2):

Labcorp Genetics (formerly Invitae), Labcorp
Classification: Likely pathogenic for Neuromuscular disease caused by qualitative or quantitative defects of dysferlin. Last evaluated: 2024-05-20. Review status: criteria provided, single submitter. Criteria: Invitae Variant Classification Sherloc (09022015). Collection method: clinical testing. Allele origin: germline.
Comment: This sequence change replaces arginine, which is basic and polar, with serine, which is neutral and polar, at codon 1870 of the DYSF protein (p.Arg1870Ser). This variant is not present in population databases (gnomAD no frequency). This missense change has been observed in individual(s) with clinical features of limb-girdle muscular dystrophy (Invitae). In at least one individual the data is consistent with being in trans (on the opposite chromosome) from a pathogenic variant. ClinVar contains an entry for this variant (Variation ID: 813990). Advanced modeling of protein sequence and biophysical properties (such as structural, functional, and spatial information, amino acid conservation, physicochemical variation, residue mobility, and thermodynamic stability) performed at Invitae indicates that this missense variant is expected to disrupt DYSF protein function with a positive predictive value of 95%. In summary, the currently available evidence indicates that the variant is pathogenic, but additional data are needed to prove that conclusively. Therefore, this variant has been classified as Likely Pathogenic.

Broad Center for Mendelian Genomics, Broad Institute of MIT and Harvard
Classification: Uncertain significance for Autosomal recessive limb-girdle muscular dystrophy type 2B. Last evaluated: 2018-12-03. Review status: criteria provided, single submitter. Criteria: ACMG Guidelines, 2015. Collection method: research. Allele origin: germline. Inheritance: Autosomal recessive inheritance. Affected: yes.
Comment: This variant was absent from large population studies and computational prediction tools suggest that this variant may impact the protein, though this information is not predictive enough to determine pathogenicity. In summary, the clinical significance of the p.Arg1909Ser variant is uncertain. ACMG/AMP Criteria applied: PM2, PP3 (Richards 2015).

NM_001130987.2(DYSF):c.5727G>T (p.Arg1909Ser)

Gene: DYSF (dysferlin; plus strand). Cytogenetic location: 2p13.2.
Variant type: single nucleotide variant.
Coding change: c.5727G>T on transcript NM_001130987.2 (MANE Select); coding-DNA position 5727, G replaced by T.
Protein change: p.Arg1909Ser; replaces arginine 1909 with serine.
Molecular consequence: missense variant.
Genome position (GRCh38, 1-based): chr2:71,669,689, G>T. VCF-style: chr2-71669689-G-T. GRCh37 (hg19) VCF-style: chr2-71896819-G-T.
Other names: c.5613G>T, p.Arg1871Ser (NM_001130455.2); c.5568G>T, p.Arg1856Ser (NM_001130976.2); c.5631G>T, p.Arg1877Ser (NM_001130977.2); c.5673G>T, p.Arg1891Ser (NM_001130978.2); c.5703G>T, p.Arg1901Ser (NM_001130979.2); c.5661G>T, p.Arg1887Ser (NM_001130980.2); c.5724G>T, p.Arg1908Ser (NM_001130981.2); c.5706G>T, p.Arg1902Ser (NM_001130982.2); and 5 more; short protein forms R1877S, R1878S, R1891S, R1856S, R1887S, R1888S, R1892S, R1901S.
Identifiers: ClinVar variation 813990 (VCV000813990.9), dbSNP rs1336670524, ClinGen allele CA347223875.